The following is an entry in ClinVar:

ClinVar aggregate classification (germline): Uncertain significance (1 of 4 stars; one submission).

Conditions:
Chédiak-Higashi syndrome (CHS). Also called: Chediak-Higashi Syndrome. Identifiers: Orphanet 167, MedGen C0007965, MONDO:0008963, OMIM 214500.

Allele frequency attached by ClinVar (database versions not stated): TOPMed below 0.00001.
gnomAD v4.1: 3 of 1,613,676 alleles (0.00019%); highest among the groups gnomAD compares: Admixed American, 0.0033%; no homozygotes.

Submission:

Labcorp Genetics (formerly Invitae), Labcorp
Classification: Uncertain significance for Chédiak-Higashi syndrome. Last evaluated: 2024-11-04. Review status: criteria provided, single submitter. Criteria: Invitae Variant Classification Sherloc (09022015). Collection method: clinical testing. Allele origin: germline.
Comment: This sequence change replaces glycine, which is neutral and non-polar, with alanine, which is neutral and non-polar, at codon 1014 of the LYST protein (p.Gly1014Ala). This variant is present in population databases (rs765006632, gnomAD 0.006%). This variant has not been reported in the literature in individuals affected with LYST-related conditions. ClinVar contains an entry for this variant (Variation ID: 1407163). Invitae Evidence Modeling of protein sequence and biophysical properties (such as structural, functional, and spatial information, amino acid conservation, physicochemical variation, residue mobility, and thermodynamic stability) indicates that this missense variant is not expected to disrupt LYST protein function with a negative predictive value of 80%. In summary, the available evidence is currently insufficient to determine the role of this variant in disease. Therefore, it has been classified as a Variant of Uncertain Significance.

NM_000081.4(LYST):c.3041G>C (p.Gly1014Ala)

Gene: LYST (lysosomal trafficking regulator; minus strand). Cytogenetic location: 1q42.3.
Variant type: single nucleotide variant.
Coding change: c.3041G>C on transcript NM_000081.4 (MANE Select); coding-DNA position 3041, G replaced by C.
Protein change: p.Gly1014Ala; replaces glycine 1014 with alanine.
Molecular consequence: missense variant.
Genome position (GRCh38, 1-based): chr1:235,806,095, C>G on the plus strand (G>C on the coding strand, the complement: LYST is on the minus strand). VCF-style: chr1-235806095-C-G. GRCh37 (hg19) VCF-style: chr1-235969395-C-G.
Other names: c.3041G>C, p.Gly1014Ala (NM_001301365.1); short protein forms G1014A.
Identifiers: ClinVar variation 1407163 (VCV001407163.6), dbSNP rs765006632, ClinGen allele CA1467156.